The following is an entry in ClinVar:

ClinVar aggregate classification (germline): Benign. Review status: criteria provided, multiple submitters, no conflicts (2 of 4 stars). 5 submissions from 5 submitters: Benign (5). Last evaluated 2026-01-28.

Conditions:
Congenital contractural arachnodactyly (CCA). Also called: Beals-Hecht syndrome; Arthrogryposis, distal, type 9; BEALS SYNDROME. Identifiers: Orphanet 115, MedGen C0220668, MONDO:0007363, OMIM 121050.

Allele frequency attached by ClinVar (database versions not stated): gnomAD 0.00063 and 0.00082; TOPMed 0.00085; ExAC 0.00136; gnomAD exomes 0.00147; 1000 Genomes Project 30x 0.00312; 1000 Genomes Project 0.00379.
gnomAD v4.1: 698 of 1,613,780 alleles (0.043%); highest among the groups gnomAD compares: East Asian, 1.1%; 5 homozygotes.

Submissions (5):

Labcorp Genetics (formerly Invitae), Labcorp
Classification: Benign for Congenital contractural arachnodactyly. Last evaluated: 2026-01-28. Review status: criteria provided, single submitter. Criteria: Invitae Variant Classification Sherloc (09022015). Collection method: clinical testing. Allele origin: germline.

Blueprint Genetics
Classification: Benign. Last evaluated: 2024-11-22. Review status: criteria provided, single submitter. Criteria: ACMG Guidelines, 2015. Collection method: clinical testing. Allele origin: germline.

Women's Health and Genetics/Laboratory Corporation of America, LabCorp
Classification: Benign. Last evaluated: 2023-07-21. Review status: criteria provided, single submitter. Criteria: LabCorp Variant Classification Summary - May 2015. Collection method: clinical testing. Allele origin: germline.

ARUP Laboratories, Molecular Genetics and Genomics, ARUP Laboratories
Classification: Benign. Last evaluated: 2023-05-10. Review status: criteria provided, single submitter. Criteria: ARUP Molecular Germline Variant Investigation Process 2024. Collection method: clinical testing. Allele origin: germline.

GeneDx
Classification: Benign. Last evaluated: 2013-05-13. Review status: criteria provided, single submitter. Criteria: GeneDx Variant Classification (06012015). Collection method: clinical testing. Allele origin: germline. Affected: yes.
Comment: This variant is considered likely benign or benign based on one or more of the following criteria: it is a conservative change, it occurs at a poorly conserved position in the protein, it is predicted to be benign by multiple in silico algorithms, and/or has population frequency not consistent with disease.

NM_001999.4(FBN2):c.7841-16G>T

Gene: FBN2 (fibrillin 2; minus strand). Cytogenetic location: 5q23.3.
Variant type: single nucleotide variant.
Coding change: c.7841-16G>T on transcript NM_001999.4 (MANE Select); 16 bases into the intron before coding-DNA position 7841, G replaced by T.
Molecular consequence: intron variant.
Genome position (GRCh38, 1-based): chr5:128,272,134, C>A on the plus strand (G>T on the coding strand, the complement: FBN2 is on the minus strand). VCF-style: chr5-128272134-C-A. GRCh37 (hg19) VCF-style: chr5-127607826-C-A.
Identifiers: ClinVar variation 137351 (VCV000137351.21), dbSNP rs201231807, ClinGen allele CA290896.